The following is an entry in ClinVar:

ClinVar aggregate classification (germline): Uncertain significance. Review status: criteria provided, multiple submitters, no conflicts (2 of 4 stars). 3 submissions from 3 submitters: Uncertain significance (3). Last evaluated 2024-06-07.

Conditions:
Inborn genetic diseases. Identifiers: MedGen C0950123, MeSH D030342.
Pontocerebellar hypoplasia type 3 (PCH3). Also called: PCH WITH OPTIC ATROPHY; CEREBELLAR ATROPHY WITH PROGRESSIVE MICROCEPHALY. Identifiers: Orphanet 97249, MedGen C1842687, MONDO:0011948, OMIM 608027.

Allele frequency attached by ClinVar (database versions not stated): gnomAD 0.00001; gnomAD exomes 0.00002 and 0.00005; TOPMed 0.00002; ExAC 0.00003; ESP Exome Variant Server 0.00008.
gnomAD v4.1: 68 of 1,613,746 alleles (0.0042%); highest among the groups gnomAD compares: Non-Finnish European, 0.0057%; no homozygotes.

Submissions (3):

Ambry Genetics
Classification: Uncertain significance for Inborn genetic diseases. Last evaluated: 2024-06-07. Review status: criteria provided, single submitter. Criteria: Ambry Variant Classification Scheme 2023. Collection method: clinical testing. Allele origin: germline.

Labcorp Genetics (formerly Invitae), Labcorp
Classification: Uncertain significance. Last evaluated: 2022-09-13. Review status: criteria provided, single submitter. Criteria: Invitae Variant Classification Sherloc (09022015). Collection method: clinical testing. Allele origin: germline.
Comment: This sequence change replaces leucine, which is neutral and non-polar, with serine, which is neutral and polar, at codon 3165 of the PCLO protein (p.Leu3165Ser). This variant is present in population databases (rs371068804, gnomAD 0.005%). This variant has not been reported in the literature in individuals affected with PCLO-related conditions. ClinVar contains an entry for this variant (Variation ID: 1029006). Algorithms developed to predict the effect of missense changes on protein structure and function are either unavailable or do not agree on the potential impact of this missense change (SIFT: "Deleterious"; PolyPhen-2: "Not Available"; Align-GVGD: "Class C0"). In summary, the available evidence is currently insufficient to determine the role of this variant in disease. Therefore, it has been classified as a Variant of Uncertain Significance.

Baylor Genetics
Classification: Uncertain significance for Pontocerebellar hypoplasia type 3. Last evaluated: 2020-03-09. Review status: criteria provided, single submitter. Criteria: ACMG Guidelines, 2015. Collection method: clinical testing. Allele origin: unknown. Affected: yes.
Comment: This variant was determined to be of uncertain significance according to ACMG Guidelines, 2015 [PMID:25741868].

NM_033026.6(PCLO):c.9494T>C (p.Leu3165Ser)

Gene: PCLO (piccolo presynaptic cytomatrix protein; minus strand). Cytogenetic location: 7q21.11.
Variant type: single nucleotide variant.
Coding change: c.9494T>C on transcript NM_033026.6 (MANE Select); coding-DNA position 9494, T replaced by C.
Protein change: p.Leu3165Ser; replaces leucine 3165 with serine.
Molecular consequence: missense variant.
Genome position (GRCh38, 1-based): chr7:82,951,094, A>G on the plus strand (T>C on the coding strand, the complement: PCLO is on the minus strand). VCF-style: chr7-82951094-A-G. GRCh37 (hg19) VCF-style: chr7-82580410-A-G.
Other names: c.9494T>C, p.Leu3165Ser (NM_014510.3); short protein forms L3165S.
Identifiers: ClinVar variation 1029006 (VCV001029006.6), dbSNP rs371068804, ClinGen allele CA4319911.